The following is an entry in ClinVar:

ClinVar aggregate classification (germline): Uncertain significance. Review status: criteria provided, multiple submitters, no conflicts (2 of 4 stars). 2 submissions from 2 submitters: Uncertain significance (2). Last evaluated 2025-05-12.

Conditions:
Long QT syndrome (LQTS). Identifiers: MedGen C0023976, MeSH D008133, MONDO:0002442. Disease mechanism: loss of function. Inheritance: Various modes of inheritance.
Cardiovascular phenotype. Identifiers: MedGen CN230736.

Submissions (2):

Labcorp Genetics (formerly Invitae), Labcorp
Classification: Uncertain significance for Long QT syndrome. Last evaluated: 2025-05-12. Review status: criteria provided, single submitter. Criteria: Invitae Variant Classification Sherloc (09022015). Collection method: clinical testing. Allele origin: germline.
Comment: This sequence change replaces alanine, which is neutral and non-polar, with serine, which is neutral and polar, at codon 871 of the CACNA1C protein (p.Ala871Ser). This variant is not present in population databases (gnomAD no frequency). This variant has not been reported in the literature in individuals affected with CACNA1C-related conditions. ClinVar contains an entry for this variant (Variation ID: 3483940). Invitae Evidence Modeling of protein sequence and biophysical properties (such as structural, functional, and spatial information, amino acid conservation, physicochemical variation, residue mobility, and thermodynamic stability) indicates that this missense variant is not expected to disrupt CACNA1C protein function with a negative predictive value of 95%. In summary, the available evidence is currently insufficient to determine the role of this variant in disease. Therefore, it has been classified as a Variant of Uncertain Significance.

Ambry Genetics
Classification: Uncertain significance for Cardiovascular phenotype. Last evaluated: 2024-06-28. Review status: criteria provided, single submitter. Criteria: Ambry Variant Classification Scheme 2023. Collection method: clinical testing. Allele origin: germline.
Comment: The p.A871S variant (also known as c.2611G>T), located in coding exon 19 of the CACNA1C gene, results from a G to T substitution at nucleotide position 2611. The alanine at codon 871 is replaced by serine, an amino acid with similar properties. This amino acid position is well conserved in available vertebrate species. In addition, the in silico prediction for this alteration is inconclusive. Based on the available evidence, the clinical significance of this variant remains unclear.

NM_000719.7(CACNA1C):c.2611G>T (p.Ala871Ser)

Gene: CACNA1C (calcium voltage-gated channel subunit alpha1 C; plus strand). Cytogenetic location: 12p13.33.
Variant type: single nucleotide variant.
Coding change: c.2611G>T on transcript NM_000719.7 (MANE Select); coding-DNA position 2611, G replaced by T.
Protein change: p.Ala871Ser; replaces alanine 871 with serine.
Molecular consequence: missense variant.
Genome position (GRCh38, 1-based): chr12:2,593,293, G>T. VCF-style: chr12-2593293-G-T. GRCh37 (hg19) VCF-style: chr12-2702459-G-T.
Other names: c.2611G>T, p.Ala871Ser (NM_001129827.2, NM_001129829.2, NM_001129830.3 and 18 more transcripts); c.2602G>T, p.Ala868Ser (NM_001129844.2); short protein forms A871S, A868S.
Identifiers: ClinVar variation 3483940 (VCV003483940.2).
Genomic context (GRCh38, chr12:2,593,293, plus strand): 5'-CCAGAGATGCCTGTCGGCCCTCGCCCACGACCACTCTCTGAGCTTCACCTTAAGGAAAAG[G>T]CAGTGCCCATGCCAGAAGCCAGCGCGTTTTTCATCTTCAGCTCTAACAACAGGTGTGCAG-3'
Protein context (NP_000710.5, residues 861-881): PLSELHLKEK[Ala871Ser]VPMPEASAFF